The following is an entry in ClinVar:

ClinVar aggregate classification (germline): Uncertain significance. Review status: criteria provided, multiple submitters, no conflicts (2 of 4 stars). 2 submissions from 2 submitters: Uncertain significance (2). Last evaluated 2025-12-18.

Allele frequency attached by ClinVar (database versions not stated): TOPMed 0.00002; gnomAD exomes 0.00003; ExAC 0.00010; gnomAD 0.00002.
gnomAD v4.1: 45 of 1,611,928 alleles (0.0028%); highest among the groups gnomAD compares: South Asian, 0.019%; 1 homozygote.

Submissions (2):

Labcorp Genetics (formerly Invitae), Labcorp
Classification: Uncertain significance. Last evaluated: 2025-12-18. Review status: criteria provided, single submitter. Criteria: Invitae Variant Classification Sherloc (09022015). Collection method: clinical testing. Allele origin: germline.
Comment: This sequence change replaces arginine, which is basic and polar, with histidine, which is basic and polar, at codon 2002 of the DSCAML1 protein (p.Arg2002His). This variant is present in population databases (rs767282357, gnomAD 0.02%). This variant has not been reported in the literature in individuals affected with DSCAML1-related conditions. ClinVar contains an entry for this variant (Variation ID: 2177700). An algorithm developed to predict the effect of missense changes on protein structure and function (PolyPhen-2) suggests that this variant is likely to be disruptive. In summary, the available evidence is currently insufficient to determine the role of this variant in disease. Therefore, it has been classified as a Variant of Uncertain Significance.

Ambry Genetics
Classification: Uncertain significance. Last evaluated: 2024-06-17. Review status: criteria provided, single submitter. Criteria: Ambry Variant Classification Scheme 2023. Collection method: clinical testing. Allele origin: germline.

NM_020693.4(DSCAML1):c.5825G>A (p.Arg1942His)

Gene: DSCAML1 (DS cell adhesion molecule like 1; minus strand). Cytogenetic location: 11q23.3.
Variant type: single nucleotide variant.
Coding change: c.5825G>A on transcript NM_020693.4 (MANE Select); coding-DNA position 5825, G replaced by A.
Protein change: p.Arg1942His; replaces arginine 1942 with histidine.
Molecular consequence: missense variant.
Genome position (GRCh38, 1-based): chr11:117,428,665, C>T on the plus strand (G>A on the coding strand, the complement: DSCAML1 is on the minus strand). VCF-style: chr11-117428665-C-T. GRCh37 (hg19) VCF-style: chr11-117299381-C-T.
Other names: c.6005G>A (NM_020693.2); short protein forms R1942H.
Identifiers: ClinVar variation 2177700 (VCV002177700.5), dbSNP rs767282357, ClinGen allele CA6295960.